The following is an entry in ClinVar:

NM_005035.4(POLRMT):c.2091C>T (p.Asp697=)

Gene: POLRMT (RNA polymerase mitochondrial; minus strand). Cytogenetic location: 19p13.3.
Variant type: single nucleotide variant.
Coding change: c.2091C>T on transcript NM_005035.4 (MANE Select); coding-DNA position 2091, C replaced by T.
Protein change: p.Asp697=; no amino-acid change (aspartic acid 697 retained).
Molecular consequence: synonymous variant. On other transcripts: non-coding transcript variant (1).
Genome position (GRCh38, 1-based): chr19:621,607, G>A on the plus strand (C>T on the coding strand, the complement: POLRMT is on the minus strand). VCF-style: chr19-621607-G-A. GRCh37 (hg19) VCF-style: chr19-621607-G-A.
Other names: c.2049C>T, p.Asp683= (NM_001407813.1, NM_001407811.1); c.2091C>T, p.Asp697= (NM_001407814.1, NM_001407815.1, NM_001407816.1 and 4 more transcripts); c.1866C>T, p.Asp622= (NM_001407830.1, NM_001407832.1); c.1767C>T, p.Asp589= (NM_001407831.1, NM_001407833.1, NM_001407835.1 and 1 more transcripts); c.1758C>T, p.Asp586= (NM_001407834.1); c.2082C>T, p.Asp694= (NM_001407806.1, NM_001407809.1); c.2079C>T, p.Asp693= (NM_001407807.1, NM_001407810.1).
Identifiers: ClinVar variation 2648857 (VCV002648857.24), dbSNP rs371118165, ClinGen allele CA9020030.

ClinVar aggregate classification (germline): Likely benign (1 of 4 stars; one submission).

Allele frequency attached by ClinVar (database versions not stated): gnomAD exomes 0.00011; ESP Exome Variant Server 0.00080; 1000 Genomes Project 30x 0.00094; gnomAD 0.00094; 1000 Genomes Project 0.00100; TOPMed 0.00118; ExAC 0.00186.

Submission:

CeGaT Center for Human Genetics Tuebingen
Classification: Likely benign. Last evaluated: 2022-06-01. Review status: criteria provided, single submitter. Criteria: CeGaT Center For Human Genetics Tuebingen Variant Classification Criteria Version 2. Collection method: clinical testing. Allele origin: germline. Affected: yes. Observed: 1 variant allele.
Comment: POLRMT: BP4, BP7